The following is an entry in ClinVar:

ClinVar aggregate classification (germline): Uncertain significance. Review status: criteria provided, multiple submitters, no conflicts (2 of 4 stars). 2 submissions from 2 submitters: Uncertain significance (2). Last evaluated 2024-11-30.

Conditions:
Emery-Dreifuss muscular dystrophy 4, autosomal dominant (EDMD4). Also called: EMERY-DREIFUSS MUSCULAR DYSTROPHY 4 WITH VARIABLE FEATURES. Identifiers: Orphanet 261, MedGen C2751807, MONDO:0013071, OMIM 612998.
Autosomal recessive ataxia, Beauce type. Also called: SYNE1-Related Autosomal Recessive Cerebellar Ataxia; Spinocerebellar ataxia, autosomal recessive 8; ATAXIA, RECESSIVE, OF BEAUCE; SYNE1 Deficiency. Identifiers: Orphanet 88644, MedGen C1853116, MONDO:0012549, OMIM 610743.

Allele frequency attached by ClinVar (database versions not stated): gnomAD 0.00008; TOPMed 0.00010; ESP Exome Variant Server 0.00015.
gnomAD v4.1: 139 of 1,613,842 alleles (0.0086%); highest among the groups gnomAD compares: Middle Eastern, 0.016%; no homozygotes.

Submissions (2):

Labcorp Genetics (formerly Invitae), Labcorp
Classification: Uncertain significance for Emery-Dreifuss muscular dystrophy 4, autosomal dominant; Autosomal recessive ataxia, Beauce type. Last evaluated: 2024-11-30. Review status: criteria provided, single submitter. Criteria: Invitae Variant Classification Sherloc (09022015). Collection method: clinical testing. Allele origin: germline.
Comment: This sequence change replaces alanine, which is neutral and non-polar, with threonine, which is neutral and polar, at codon 794 of the SYNE1 protein (p.Ala794Thr). This variant is present in population databases (rs139755975, gnomAD 0.009%). This variant has not been reported in the literature in individuals affected with SYNE1-related conditions. ClinVar contains an entry for this variant (Variation ID: 2062790). An algorithm developed to predict the effect of missense changes on protein structure and function (PolyPhen-2) suggests that this variant¬¨‚Ä†is likely to be tolerated. In summary, the available evidence is currently insufficient to determine the role of this variant in disease. Therefore, it has been classified as a Variant of Uncertain Significance.

CeGaT Center for Human Genetics Tuebingen
Classification: Uncertain significance. Last evaluated: 2024-10-01. Review status: criteria provided, single submitter. Criteria: CeGaT Center For Human Genetics Tuebingen Variant Classification Criteria Version 2. Collection method: clinical testing. Allele origin: germline. Affected: yes. Observed: 3 variant alleles.
Comment: SYNE1: PM2, BP4

NM_182961.4(SYNE1):c.2359G>A (p.Ala787Thr)

Gene: SYNE1 (spectrin repeat containing nuclear envelope protein 1; minus strand). Cytogenetic location: 6q25.2.
Variant type: single nucleotide variant.
Coding change: c.2359G>A on transcript NM_182961.4 (MANE Select); coding-DNA position 2359, G replaced by A.
Protein change: p.Ala787Thr; replaces alanine 787 with threonine.
Molecular consequence: missense variant.
Genome position (GRCh38, 1-based): chr6:152,461,632, C>T on the plus strand (G>A on the coding strand, the complement: SYNE1 is on the minus strand). VCF-style: chr6-152461632-C-T. GRCh37 (hg19) VCF-style: chr6-152782767-C-T.
Other names: c.2380G>A, p.Ala794Thr (NM_033071.5); short protein forms A787T, A794T.
Identifiers: ClinVar variation 2062790 (VCV002062790.26), dbSNP rs139755975, ClinGen allele CA4059165.